The following is an entry in ClinVar:

NM_014314.4(RIGI):c.2437T>A (p.Cys813Ser)

Genes: RIGI (RNA sensor RIG-I; minus strand), LOC101060445 (uncharacterized LOC101060445; plus strand). Cytogenetic location: 9p21.1.
Variant type: single nucleotide variant.
Coding change: c.2437T>A on transcript NM_014314.4 (MANE Select); coding-DNA position 2437, T replaced by A.
Protein change: p.Cys813Ser; replaces cysteine 813 with serine.
Molecular consequence: missense variant.
Genome position (GRCh38, 1-based): chr9:32,459,415, A>T on the plus strand (T>A on the coding strand, the complement: RIGI is on the minus strand). VCF-style: chr9-32459415-A-T. GRCh37 (hg19) VCF-style: chr9-32459413-A-T.
Other names: c.2431T>A, p.Cys811Ser (NM_001385907.1); c.2266T>A, p.Cys756Ser (NM_001385909.1); c.1996T>A, p.Cys666Ser (NM_001385910.1); c.1828T>A, p.Cys610Ser (NM_001385912.1); c.2422T>A, p.Cys808Ser (NM_001385913.1); c.1993T>A, p.Cys665Ser (NM_001385914.1); short protein forms C813S, C811S, C665S, C756S, C808S, C610S, C666S.
Identifiers: ClinVar variation 2720935 (VCV002720935.3), dbSNP rs773947260, ClinGen allele CA373144091.

ClinVar aggregate classification (germline): Uncertain significance (1 of 4 stars; one submission).

Allele frequency attached by ClinVar (database versions not stated): TOPMed below 0.00001.
gnomAD v4.1: 4 of 1,613,744 alleles (0.00025%); highest among the groups gnomAD compares: Non-Finnish European, 0.00034%; no homozygotes.

Submission:

Labcorp Genetics (formerly Invitae), Labcorp
Classification: Uncertain significance. Last evaluated: 2023-03-01. Review status: criteria provided, single submitter. Criteria: Invitae Variant Classification Sherloc (09022015). Collection method: clinical testing. Allele origin: germline.
Comment: This sequence change replaces cysteine, which is neutral and slightly polar, with serine, which is neutral and polar, at codon 813 of the DDX58 protein (p.Cys813Ser). This variant is not present in population databases (gnomAD no frequency). In summary, the available evidence is currently insufficient to determine the role of this variant in disease. Therefore, it has been classified as a Variant of Uncertain Significance. Advanced modeling of protein sequence and biophysical properties (such as structural, functional, and spatial information, amino acid conservation, physicochemical variation, residue mobility, and thermodynamic stability) performed at Invitae indicates that this missense variant is expected to disrupt DDX58 protein function. This variant has not been reported in the literature in individuals affected with DDX58-related conditions.